The following is an entry in ClinVar:

NM_022167.4(XYLT2):c.1736del (p.Pro579fs)

Gene: XYLT2 (xylosyltransferase 2; plus strand). Cytogenetic location: 17q21.33.
Variant type: Deletion.
Coding change: c.1736del on transcript NM_022167.4 (MANE Select); coding-DNA position 1736, one base deleted (C; older notation c.1736delC).
Protein change: p.Pro579fs; shifts the reading frame from proline 579.
Molecular consequence: frameshift variant.
Genome position (GRCh38, 1-based): chr17:50,356,764, C deleted; the last of 4 consecutive C bases (chr17:50,356,761-50,356,764); deleting any one gives the same sequence. VCF-style (leftmost placement, unchanged base first): chr17-50356760-AC-A. GRCh37 (hg19) VCF-style: chr17-48434121-AC-A.
Other names: short protein forms P579fs.
Identifiers: ClinVar variation 3340122 (VCV003340122.2).

ClinVar aggregate classification (germline): Likely pathogenic (1 of 4 stars; one submission).

Conditions:
Spondylo-ocular syndrome. Also called: Spondyloocular syndrome, autosomal recessive. Identifiers: Orphanet 85194, MedGen C4225412, MONDO:0011604, OMIM 605822.

Submission:

Molecular Genetics and NGS Laboratory, Hospital Fundacion Valle Del Lili
Classification: Likely pathogenic for Spondylo-ocular syndrome. Last evaluated: 2024-09-01. Review status: criteria provided, single submitter. Criteria: ACMG Guidelines, 2015. Collection method: clinical testing. Allele origin: germline. Inheritance: Autosomal recessive inheritance. Affected: yes. Observed: 1 homozygote.
Comment: On physical examination, short stature, short neck, shield chest and hyperlordosis.